The following is an entry in ClinVar:

NM_020166.5(MCCC1):c.1930G>T (p.Glu644Ter)

Gene: MCCC1 (methylcrotonyl-CoA carboxylase subunit 1; minus strand). Cytogenetic location: 3q27.1.
Variant type: single nucleotide variant.
Coding change: c.1930G>T on transcript NM_020166.5 (MANE Select); coding-DNA position 1930, G replaced by T.
Protein change: p.Glu644Ter; replaces glutamic acid 644 with a stop codon.
Molecular consequence: nonsense. On other transcripts: non-coding transcript variant (2).
Genome position (GRCh38, 1-based): chr3:183,020,177, C>A on the plus strand (G>T on the coding strand, the complement: MCCC1 is on the minus strand). VCF-style: chr3-183020177-C-A. GRCh37 (hg19) VCF-style: chr3-182737965-C-A.
Other names: c.1579G>T, p.Glu527Ter (NM_001293273.2); c.1603G>T, p.Glu535Ter (NM_001363880.1); short protein forms E644*, E527*, E535*.
Identifiers: ClinVar variation 503626 (VCV000503626.17), dbSNP rs905321122, ClinGen allele CA88689302.

ClinVar aggregate classification (germline): Pathogenic. Review status: criteria provided, multiple submitters, no conflicts (2 of 4 stars). 6 submissions from 6 submitters: Pathogenic (6). Last evaluated 2026-01-18.

Conditions:
3-methylcrotonyl-CoA carboxylase 1 deficiency (MCC1D). Also called: MCCD TYPE 1; METHYLCROTONYLGLYCINURIA TYPE I; MCC 1 deficiency; 3 Alpha methylcrotonylglycinuria 1. Identifiers: Orphanet 6, MedGen CN028786, MONDO:0008861, OMIM 210200.
MCCC1-related disorder. Also called: MCCC1-related condition.

Allele frequency attached by ClinVar (database versions not stated): TOPMed 0.00002; gnomAD 0.00003.
gnomAD v4.1: 18 of 1,614,026 alleles (0.0011%); highest among the groups gnomAD compares: Non-Finnish European, 0.0014%; no homozygotes.

Submissions (6):

Labcorp Genetics (formerly Invitae), Labcorp
Classification: Pathogenic for 3-methylcrotonyl-CoA carboxylase 1 deficiency. Last evaluated: 2026-01-18. Review status: criteria provided, single submitter. Criteria: Invitae Variant Classification Sherloc (09022015). Collection method: clinical testing. Allele origin: germline.
Comment: This sequence change creates a premature translational stop signal (p.Glu644*) in the MCCC1 gene. It is expected to result in an absent or disrupted protein product. Loss-of-function variants in MCCC1 are known to be pathogenic (PMID: 11181649, 15359379, 22642865). This variant is present in population databases (no rsID available, gnomAD 0.007%). This premature translational stop signal has been observed in individual(s) with 3-methylcrotonyl-CoA carboxylase deficiency (PMID: 22642865). ClinVar contains an entry for this variant (Variation ID: 503626). Algorithms developed to predict the effect of sequence changes on RNA splicing suggest that this variant may disrupt the consensus splice site. For these reasons, this variant has been classified as Pathogenic.

Natera, Inc.
Classification: Pathogenic for 3-methylcrotonyl-CoA carboxylase 1 deficiency. Last evaluated: 2025-06-22. Review status: criteria provided, single submitter. Criteria: Natera Variant Classification Schema (03/2026). Collection method: clinical testing. Allele origin: germline.
Comment: The c.1930G>T variant in MCCC1 is a nonsense variant predicted to introduce a stop codon at amino acid 644. This variant is expected to result in nonsense mediated decay, truncation, or a dysfunctional protein product. This variant is rare in the general population with a frequency below the threshold expected for the associated phenotype(s). This variant has been observed in one or more individuals affected with the associated recessive disease, as either homozygous or compound heterozygous with a second variant (PMID: 16010683). Given the available evidence, this variant is classified as Pathogenic.

PreventionGenetics, part of Exact Sciences
Classification: Pathogenic for MCCC1-related condition. Last evaluated: 2024-12-31. Review status: criteria provided, single submitter. Criteria: ACMG Guidelines, 2015. Collection method: clinical testing. Allele origin: germline.
Comment: The MCCC1 c.1930G>T variant is predicted to result in premature protein termination (p.Glu644*). This variant was reported in the biallelic state in an asymptomatic newborn detected via new born screening for 3-methylcrotonyl-CoA carboxylase deficiency (Patient 043 in Dantas et al. 2005. PubMed ID: 16010683). This variant is reported in 0.0065% of alleles in individuals of European (Non-Finnish) descent in gnomAD. Nonsense variants in MCCC1 are expected to be pathogenic. This variant is interpreted as pathogenic.

Baylor Genetics
Classification: Pathogenic for 3-methylcrotonyl-CoA carboxylase 1 deficiency. Last evaluated: 2024-03-21. Review status: criteria provided, single submitter. Criteria: ACMG Guidelines, 2015. Collection method: clinical testing. Allele origin: unknown.

Fulgent Genetics
Classification: Pathogenic for 3-methylcrotonyl-CoA carboxylase 1 deficiency. Last evaluated: 2021-10-14. Review status: criteria provided, single submitter. Criteria: ACMG Guidelines, 2015. Collection method: clinical testing. Allele origin: unknown.

GeneDx
Classification: Pathogenic. Last evaluated: 2017-11-09. Review status: criteria provided, single submitter. Criteria: GeneDx Variant Classification (06012015). Collection method: clinical testing. Allele origin: germline. Affected: yes.
Comment: The E644X nonsense variant in the MCCC1 gene has been reported previously in association with 3-methylcrotonyl-CoA carboxylase (3-MCC) deficiency (Dantas et al., 2005). This variant is predicted to cause loss of normal protein function either through protein truncation or nonsense mediated mRNA decay. The E644X variant is not observed at a significant frequency in large population cohorts (Lek et al., 2016). In summary, we interpret E644X to be a pathogenic variant.

Literature cited by the submitters: PubMed 11181649 (cited by Labcorp Genetics (formerly Invitae), Labcorp); PubMed 15359379 (cited by Labcorp Genetics (formerly Invitae), Labcorp); PubMed 22642865 (cited by Labcorp Genetics (formerly Invitae), Labcorp); PubMed 16010683 (cited by Natera, Inc.).